The following is an entry in ClinVar:

NM_001382391.1(CSPP1):c.2723del (p.Asn908fs)

Gene: CSPP1 (centrosome and spindle pole associated protein 1; plus strand). Cytogenetic location: 8q13.2.
Variant type: Deletion.
Coding change: c.2723del on transcript NM_001382391.1 (MANE Select); coding-DNA position 2723, one base deleted (A; older notation c.2723delA).
Protein change: p.Asn908fs; shifts the reading frame from asparagine 908.
Molecular consequence: frameshift variant.
Genome position (GRCh38, 1-based): chr8:67,164,403, A deleted; the last of 8 consecutive A bases (chr8:67,164,396-67,164,403); deleting any one gives the same sequence. VCF-style (leftmost placement, unchanged base first): chr8-67164395-GA-G. GRCh37 (hg19) VCF-style: chr8-68076630-GA-G.
Other names: c.2708delA (NM_024790.6); c.1673del, p.Asn558fs (NM_001291339.2); c.2642del, p.Asn881fs (NM_001363131.2); c.2528del, p.Asn843fs (NM_001363132.2); c.2447del, p.Asn816fs (NM_001363133.2); c.2789del, p.Asn930fs (NM_001364869.1); c.2609del, p.Asn870fs (NM_001364870.1); c.2708delA, p.Asn903Metfs (NM_024790.7); short protein forms N843fs, N881fs, N903fs, N558fs, N816fs, N870fs, N930fs, N908fs.
Identifiers: ClinVar variation 217642 (VCV000217642.25), dbSNP rs863225190, ClinGen allele CA279490.

ClinVar aggregate classification (germline): Pathogenic. Review status: criteria provided, multiple submitters, no conflicts (2 of 4 stars). 8 submissions from 8 submitters: Pathogenic (7). 1 of the submissions does not count toward it. Last evaluated 2025-07-01.

Conditions:
CSPP1-related disorder. Also called: CSPP1-related condition.
Joubert syndrome 21 (JBTS21). Identifiers: MedGen C3810212, MONDO:0014288, OMIM 615636.

Submissions (8):

CeGaT Center for Human Genetics Tuebingen
Classification: Pathogenic. Last evaluated: 2025-07-01. Review status: criteria provided, single submitter. Criteria: CeGaT Center For Human Genetics Tuebingen Variant Classification Criteria Version 2. Collection method: clinical testing. Allele origin: germline. Affected: yes. Observed: 1 variant allele.
Comment: CSPP1: PVS1, PM2, PM3

Genomic Medicine Center of Excellence, King Faisal Specialist Hospital and Research Centre
Classification: Pathogenic for Joubert syndrome 21. Last evaluated: 2024-12-19. Review status: criteria provided, single submitter. Criteria: ACMG Guidelines, 2015. Collection method: clinical testing. Allele origin: germline.

GeneDx
Classification: Pathogenic. Last evaluated: 2024-06-03. Review status: criteria provided, single submitter. Criteria: GeneDx Variant Classification Process June 2021. Collection method: clinical testing. Allele origin: germline. Affected: yes.
Comment: Frameshift variant predicted to result in protein truncation or nonsense mediated decay in a gene for which loss of function is a known mechanism of disease; Not observed at significant frequency in large population cohorts (gnomAD); This variant is associated with the following publications: (PMID: 27894351, 38586154, 24360808, 34645488, 26092869)

Labcorp Genetics (formerly Invitae), Labcorp
Classification: Pathogenic for Joubert syndrome 21. Last evaluated: 2024-05-13. Review status: criteria provided, single submitter. Criteria: Invitae Variant Classification Sherloc (09022015). Collection method: clinical testing. Allele origin: germline.
Comment: This sequence change creates a premature translational stop signal (p.Asn903Metfs*2) in the CSPP1 gene. It is expected to result in an absent or disrupted protein product. Loss-of-function variants in CSPP1 are known to be pathogenic (PMID: 24360807, 24360808). The frequency data for this variant in the population databases is considered unreliable, as metrics indicate poor data quality at this position in the gnomAD database. This premature translational stop signal has been observed in individual(s) with Joubert syndrome (PMID: 24360808). ClinVar contains an entry for this variant (Variation ID: 217642). For these reasons, this variant has been classified as Pathogenic.

Blueprint Genetics
Classification: Pathogenic for CSPP1-related disorders. Last evaluated: 2022-04-05. Review status: criteria provided, single submitter. Criteria: ACMG Guidelines, 2015. Collection method: clinical testing. Allele origin: germline. Affected: yes. Observed: 5 variant alleles.

Institute of Medical Genetics and Applied Genomics, University Hospital Tübingen
Classification: Pathogenic. Last evaluated: 2020-10-23. Review status: criteria provided, single submitter. Criteria: ACMG Guidelines, 2015. Collection method: clinical testing. Allele origin: germline. Inheritance: Autosomal recessive inheritance. Affected: yes.

UW Hindbrain Malformation Research Program, University of Washington
Classification: Pathogenic for Joubert syndrome 21. Last evaluated: 2015-02-23. Review status: criteria provided, single submitter. Criteria: Bachmann-Gagescu et al. (J Med Genet. 2015). Collection method: research. Allele origin: unknown. Affected: yes.

PreventionGenetics, part of Exact Sciences
Classification: Pathogenic for CSPP1-related condition. Last evaluated: 2023-11-29. Review status: no assertion criteria provided. Collection method: clinical testing. Allele origin: germline. Not counted in ClinVar's aggregate classification.
Comment: The CSPP1 c.2708delA variant is predicted to result in a frameshift and premature protein termination (p.Asn903Metfs*2). This variant has been reported in individuals with Joubert syndrome (Tuz et al 2014. PubMed ID: 24360808; Shaheen et al 2016. PubMed ID: 27894351). This variant is reported in 0.012% of alleles in individuals of Latino descent in gnomAD. Frameshift variants in CSPP1 are expected to be pathogenic. This variant is interpreted as pathogenic.

Literature cited by the submitters: PubMed 24360807 (cited by Labcorp Genetics (formerly Invitae), Labcorp); PubMed 24360808 (cited by Labcorp Genetics (formerly Invitae), Labcorp).